The following is an entry in ClinVar:

NM_006755.2(TALDO1):c.409G>A (p.Asp137Asn)

Gene: TALDO1 (transaldolase 1; plus strand). Cytogenetic location: 11p15.5.
Variant type: single nucleotide variant.
Coding change: c.409G>A on transcript NM_006755.2 (MANE Select); coding-DNA position 409, G replaced by A.
Protein change: p.Asp137Asn; replaces aspartic acid 137 with asparagine.
Molecular consequence: missense variant.
Genome position (GRCh38, 1-based): chr11:760,201, G>A. VCF-style: chr11-760201-G-A. GRCh37 (hg19) VCF-style: chr11-760201-G-A.
Other names: c.409G>A (NM_006755.1); short protein forms D137N.
Identifiers: ClinVar variation 1440182 (VCV001440182.5), dbSNP rs376434268, ClinGen allele CA5788128.

ClinVar aggregate classification (germline): Uncertain significance. Review status: criteria provided, multiple submitters, no conflicts (2 of 4 stars). 2 submissions from 2 submitters: Uncertain significance (2). Last evaluated 2024-11-10.

Conditions:
Inborn genetic diseases. Identifiers: MedGen C0950123, MeSH D030342.

Allele frequency attached by ClinVar (database versions not stated): 1000 Genomes Project 30x 0.00031; 1000 Genomes Project 0.00040.

Submissions (2):

Ambry Genetics
Classification: Uncertain significance for Inborn genetic diseases. Last evaluated: 2024-11-10. Review status: criteria provided, single submitter. Criteria: Ambry Variant Classification Scheme 2023. Collection method: clinical testing. Allele origin: germline.

Labcorp Genetics (formerly Invitae), Labcorp
Classification: Uncertain significance. Last evaluated: 2022-08-16. Review status: criteria provided, single submitter. Criteria: Invitae Variant Classification Sherloc (09022015). Collection method: clinical testing. Allele origin: germline.
Comment: This sequence change replaces aspartic acid, which is acidic and polar, with asparagine, which is neutral and polar, at codon 137 of the TALDO1 protein (p.Asp137Asn). This variant is present in population databases (rs376434268, gnomAD 0.03%). This variant has not been reported in the literature in individuals affected with TALDO1-related conditions. ClinVar contains an entry for this variant (Variation ID: 1440182). Algorithms developed to predict the effect of missense changes on protein structure and function are either unavailable or do not agree on the potential impact of this missense change (SIFT: "Deleterious"; PolyPhen-2: "Benign"; Align-GVGD: "Class C0"). In summary, the available evidence is currently insufficient to determine the role of this variant in disease. Therefore, it has been classified as a Variant of Uncertain Significance.